The following is an entry in ClinVar:

ClinVar aggregate classification (germline): Likely pathogenic (1 of 4 stars; one submission).

Submission:

GeneDx
Classification: Likely pathogenic. Last evaluated: 2019-09-10. Review status: criteria provided, single submitter. Criteria: GeneDx Variant Classification Process June 2021. Collection method: clinical testing. Allele origin: germline. Affected: yes.
Comment: Not observed in large population cohorts (Lek et al., 2016); Frameshift variant predicted to result in protein truncation as the last 8 amino acids are lost and replaced with 3 incorrect amino acids, although loss-of-function variants have not been reported downstream of this position in the protein; Has not been previously published as pathogenic or benign to our knowledge

NM_005097.4(LGI1):c.1649_1650del (p.His550fs)

Gene: LGI1 (leucine rich glioma inactivated 1; plus strand). Cytogenetic location: 10q23.33.
Variant type: Deletion.
Coding change: c.1649_1650del on transcript NM_005097.4 (MANE Select); coding-DNA positions 1649 to 1650, 2 bases deleted (AT; older notation c.1649_1650delAT).
Protein change: p.His550fs; shifts the reading frame from histidine 550.
Molecular consequence: frameshift variant. On other transcripts: non-coding transcript variant (1).
Genome position (GRCh38, 1-based): chr10:93,797,778-93,797,779, AT deleted. VCF-style (leftmost placement, unchanged base first): chr10-93797777-CAT-C. GRCh37 (hg19) VCF-style: chr10-95557534-CAT-C.
Other names: c.868_869del, p.Met290fs (NM_001308275.2); c.1505_1506del, p.His502fs (NM_001308276.2); short protein forms H502fs, H550fs, M290fs.
Identifiers: ClinVar variation 1197203 (VCV001197203.2), dbSNP rs2134027207, ClinGen allele CA2499220506.
Genomic context (GRCh38, chr10:93,797,777, plus strand): 5'-ATTAATAAGCGTAATTTTCTTTTTGCTTCCAGTTTTAAGGGAAATACACAGATTTACAAA[CAT>C]GTCATAGTTGACTTAAGCGCATGAGACACCAAATTCTGTGGCTGCCATCAGAAATTTTCT-3'